The following is an entry in ClinVar:

ClinVar aggregate classification (germline): Pathogenic. Review status: criteria provided, multiple submitters, no conflicts (2 of 4 stars). 7 submissions from 7 submitters: Pathogenic (5). 2 of the submissions do not count toward it. Last evaluated 2025-11-03.

Conditions:
Cardiovascular phenotype. Identifiers: MedGen CN230736.
Amyloidosis, hereditary systemic 1 (AMYLD1). Also called: Transthyretin Amyloidosis; Hereditary Transthyretin Amyloidosis; Isolated Cardiac Amyloidosis; Amyloid Cardiomyopathy, Transthyretin-related; Familial amyloid polyneuropathy; Hereditary oculoleptomeningeal amyloid angiopathy. Identifiers: Orphanet 85447, Orphanet 85451, MedGen C2751492, MONDO:0971004, OMIM 105210.

Submissions (7):

Ambry Genetics
Classification: Pathogenic for Cardiovascular phenotype. Last evaluated: 2025-11-03. Review status: criteria provided, single submitter. Criteria: Ambry Variant Classification Scheme 2023. Collection method: clinical testing. Allele origin: germline.
Comment: The c.424_426delGTC pathogenic mutation (also known as p.V142del) is located in coding exon 4 of the TTR gene. This pathogenic mutation results from an in-frame GTC deletion at nucleotide positions 424 to 426. This results in the in-frame deletion of a valine at codon 142. This variant was identified in one or more individuals with features consistent with hereditary transthyretin-related amyloidosis and segregated with disease in at least one family (Uemichi T et al. Neurology, 1997 Jun;48:1667-70; Dohrn MF et al. J Neurol, 2013 Dec;260:3093-108; Reddi HV et al. J Mol Diagn, 2014 Jan;16:68-74; Gallego-Delgado M et al. Rev Esp Cardiol (Engl Ed), 2016 Oct;69:923-930; Gonz&aacute;lez-Moreno J et al. Neurol Ther, 2021 Dec;10:833-845; Grande-Trillo A et al. Am J Transplant, 2021 Jan;21:372-381; Louwsma J et al. Amyloid, 2021 Mar;28:50-55; Pozsonyi Z et al. Genes (Basel), 2021 Jul;12; Eggleston RH et al. Respir Med, 2022 Apr;194:106761). Note, this variant is also referred to as V122del, delV122, delVal122, Val142del, in the literature. In an assay testing TTR function, this variant showed a functionally abnormal result (Sekijima Y et al. Cell, 2005 Apr;121:73-85). This amino acid position is well conserved in available vertebrate species. In addition, the in silico prediction for this variant is inconclusive (Choi Y et al. PLoS ONE. 2012; 7(10):e46688). This variant is considered to be rare based on population cohorts in the Genome Aggregation Database (gnomAD). Based on the supporting evidence, this variant is interpreted as a disease-causing mutation.

Athena Diagnostics
Classification: Pathogenic. Last evaluated: 2025-03-06. Review status: criteria provided, single submitter. Criteria: Athena Diagnostics Criteria. Collection method: clinical testing. Allele origin: unknown.
Comment: This variant has not been reported in large, multi-ethnic general populations. This variant has been identified in multiple unrelated individuals with hereditary transthyretin-related amyloidosis. In some published literature, this variant is referred to as Val122Del.

Labcorp Genetics (formerly Invitae), Labcorp
Classification: Pathogenic for Amyloidosis, hereditary systemic 1. Last evaluated: 2023-12-20. Review status: criteria provided, single submitter. Criteria: Invitae Variant Classification Sherloc (09022015). Collection method: clinical testing. Allele origin: germline.
Comment: This variant, c.424_426del, results in the deletion of 1 amino acid(s) of the TTR protein (p.Val142del), but otherwise preserves the integrity of the reading frame. This variant is not present in population databases (gnomAD no frequency). This variant has been observed in individual(s) with hereditary transthyretin-mediated amyloidosis (hATTR amyloidosis) (PMID: 9191784, 11140845, 24101130). It has also been observed to segregate with disease in related individuals. This variant is also known as deltaV122. ClinVar contains an entry for this variant (Variation ID: 13460). Algorithms developed to predict the effect of variants on protein structure and function are not available or were not evaluated for this variant. Experimental studies have shown that this variant affects TTR function (PMID: 15820680). This variant disrupts the p.Val142 amino acid residue in TTR. Other variant(s) that disrupt this residue have been determined to be pathogenic (PMID: 12050338, 15820680, 17503405, 18276611, 19781421, 22745357, 24184229, 25846356). This suggests that this residue is clinically significant, and that variants that disrupt this residue are likely to be disease-causing. For these reasons, this variant has been classified as Pathogenic.

Mayo Clinic Laboratories, Mayo Clinic
Classification: Pathogenic. Last evaluated: 2023-11-03. Review status: criteria provided, single submitter. Criteria: ACMG Guidelines, 2015. Collection method: clinical testing. Allele origin: germline. Observed: 1 variant allele.
Comment: PP1, PP4, PM2_moderate, PM4, PS3_moderate, PS4

Women's Health and Genetics/Laboratory Corporation of America, LabCorp
Classification: Pathogenic for Amyloidosis, hereditary systemic 1. Last evaluated: 2016-08-16. Review status: criteria provided, single submitter. Criteria: LabCorp Variant Classification Summary - May 2015. Collection method: clinical testing. Allele origin: germline.
Comment: Variant summary: The TTR c.424_426delGTC (p.Val142del) variant causes an in-frame deletion in the last exon. The variant of interest was not observed in controls (ExAC, 1000 Gs, or ESP) and has been reported in multiple affected individuals including a large family in which the variant segregates with disease (Munar-Ques_2001). The variant of interest has been classified as pathogenic/likely pathogenic by multiple reputable databases/clinical laboratories. Therefore, the variant of interest has been classified as Pathogenic.

Laboratory for Molecular Medicine, Mass General Brigham Personalized Medicine
Classification: Likely pathogenic for ATTRV30M amyloidosis. Last evaluated: 2008-09-02. Review status: no assertion criteria provided. Collection method: clinical testing. Allele origin: germline. Observed: 2 variant alleles. Not counted in ClinVar's aggregate classification.

OMIM
Classification: Pathogenic for AMYLOIDOSIS, HEREDITARY SYSTEMIC 1. Last evaluated: 2000-11-01. Review status: no assertion criteria provided. Collection method: literature only. Allele origin: germline. Not counted in ClinVar's aggregate classification.

Literature cited by the submitters: PubMed 15820680 (cited by 3 submitters); PubMed 17503405 (cited by 3 submitters); PubMed 22620962 (cited by Ambry Genetics); PubMed 23713495 (cited by 3 submitters); PubMed 24101130 (cited by 4 submitters); PubMed 24184229 (cited by 4 submitters); PubMed 27291669 (cited by Ambry Genetics); PubMed 32705768 (cited by Ambry Genetics); PubMed 32883119 (cited by 3 submitters); PubMed 34331265 (cited by Ambry Genetics and Athena Diagnostics); PubMed 34440326 (cited by 3 submitters); PubMed 35217402 (cited by Ambry Genetics); PubMed 39210606 (cited by Ambry Genetics and Athena Diagnostics); PubMed 9191784 (cited by 6 submitters); PubMed 35999650 (cited by Athena Diagnostics and Mayo Clinic Laboratories, Mayo Clinic); PubMed 26656838 (cited by Athena Diagnostics and Women's Health and Genetics/Laboratory Corporation of America, LabCorp); PubMed 11140845 (cited by 6 submitters); PubMed 12050338 (cited by Labcorp Genetics (formerly Invitae), Labcorp); PubMed 18276611 (cited by Labcorp Genetics (formerly Invitae), Labcorp); PubMed 19781421 (cited by Labcorp Genetics (formerly Invitae), Labcorp); PubMed 22745357 (cited by Labcorp Genetics (formerly Invitae), Labcorp); PubMed 25846356 (cited by Labcorp Genetics (formerly Invitae), Labcorp); PubMed 28762097 (cited by Mayo Clinic Laboratories, Mayo Clinic); PubMed 32861330 (cited by Mayo Clinic Laboratories, Mayo Clinic); PubMed 14640030 (cited by Laboratory for Molecular Medicine, Mass General Brigham Personalized Medicine); PubMed 11385707 (cited by Laboratory for Molecular Medicine, Mass General Brigham Personalized Medicine).

NM_000371.4(TTR):c.421GTC[1] (p.Val142del)

Gene: TTR (transthyretin; plus strand). Cytogenetic location: 18q12.1.
Variant type: Microsatellite.
Coding change: c.421GTC[1] on transcript NM_000371.4 (MANE Select); one copy of the 3-base unit GTC starting at c.421; the reference has two copies in a row; one copy, 3 bases deleted.
Protein change: p.Val142del; deletes valine 142.
Molecular consequence: inframe deletion.
Genome position (GRCh38, 1-based): chr18:31,598,655-31,598,657, GTC deleted; deleting any 3 consecutive bases within chr18:31,598,652-31,598,657 gives the same sequence; the position shown is the placement nearest the transcript's 3' end. VCF-style (leftmost placement, unchanged base first): chr18-31598651-TGTC-T. GRCh37 (hg19) VCF-style: chr18-29178614-TGTC-T.
Other names: V122del; V142delV; c.424_426delGTC (NM_000371.3); short protein forms V142del.
Identifiers: ClinVar variation 13460 (VCV000013460.17), dbSNP rs121918096, ClinGen allele CA256856.